The following is an entry in ClinVar:

ClinVar aggregate classification (germline): Benign (0 of 4 stars; one submission).

Conditions:
CHD3-related disorder. Also called: CHD3-related condition.

Allele frequency attached by ClinVar (database versions not stated): 1000 Genomes Project 0.07827; 1000 Genomes Project 30x 0.07839; ESP Exome Variant Server 0.08365; TOPMed 0.08850.
gnomAD v4.1: 57,168 of 1,614,054 alleles (3.5%); highest among the groups gnomAD compares: African/African-American, 21%; 2,564 homozygotes.

Submissions (17):

PreventionGenetics, part of Exact Sciences
Classification: Benign for CHD3-related condition. Last evaluated: 2019-10-25. Review status: no assertion criteria provided. Collection method: clinical testing. Allele origin: germline.
Comment: This variant is classified as benign based on ACMG/AMP sequence variant interpretation guidelines (Richards et al. 2015 PMID: 25741868, with internal and published modifications).

Dr. Peter K. Rogan Lab, Western University
No classification provided (evidence only). Condition: Melanoma. Review status: no classification provided. Collection method: in vitro. Allele origin: not applicable. Functional consequence: retained intron. Not counted in ClinVar's aggregate classification.

Dr. Peter K. Rogan Lab, Western University
No classification provided (evidence only). Condition: Acute myeloid leukemia. Review status: no classification provided. Collection method: in vitro. Allele origin: not applicable. Functional consequence: retained intron. Not counted in ClinVar's aggregate classification.

Dr. Peter K. Rogan Lab, Western University
No classification provided (evidence only). Condition: Acute myeloid leukemia. Review status: no classification provided. Collection method: in vitro. Allele origin: not applicable. Functional consequence: retained intron. Not counted in ClinVar's aggregate classification.

Dr. Peter K. Rogan Lab, Western University
No classification provided (evidence only). Condition: Acute myeloid leukemia. Review status: no classification provided. Collection method: in vitro. Allele origin: not applicable. Functional consequence: retained intron. Not counted in ClinVar's aggregate classification.

Dr. Peter K. Rogan Lab, Western University
No classification provided (evidence only). Condition: Colon adenocarcinoma. Review status: no classification provided. Collection method: in vitro. Allele origin: not applicable. Functional consequence: retained intron. Not counted in ClinVar's aggregate classification.

Dr. Peter K. Rogan Lab, Western University
No classification provided (evidence only). Condition: Colorectal cancer. Review status: no classification provided. Collection method: in vitro. Allele origin: not applicable. Functional consequence: retained intron. Not counted in ClinVar's aggregate classification.

Dr. Peter K. Rogan Lab, Western University
No classification provided (evidence only). Condition: Sarcoma. Review status: no classification provided. Collection method: in vitro. Allele origin: not applicable. Functional consequence: retained intron. Not counted in ClinVar's aggregate classification.

Dr. Peter K. Rogan Lab, Western University
No classification provided (evidence only). Condition: Hepatocellular carcinoma. Review status: no classification provided. Collection method: in vitro. Allele origin: not applicable. Functional consequence: retained intron. Not counted in ClinVar's aggregate classification.

Dr. Peter K. Rogan Lab, Western University
No classification provided (evidence only). Condition: Nonpapillary renal cell carcinoma. Review status: no classification provided. Collection method: in vitro. Allele origin: not applicable. Functional consequence: retained intron. Not counted in ClinVar's aggregate classification.

Dr. Peter K. Rogan Lab, Western University
No classification provided (evidence only). Condition: Thymoma. Review status: no classification provided. Collection method: in vitro. Allele origin: not applicable. Functional consequence: retained intron. Not counted in ClinVar's aggregate classification.

Dr. Peter K. Rogan Lab, Western University
No classification provided (evidence only). Condition: Thymoma. Review status: no classification provided. Collection method: in vitro. Allele origin: not applicable. Functional consequence: retained intron. Not counted in ClinVar's aggregate classification.

Dr. Peter K. Rogan Lab, Western University
No classification provided (evidence only). Condition: Thymoma. Review status: no classification provided. Collection method: in vitro. Allele origin: not applicable. Functional consequence: retained intron. Not counted in ClinVar's aggregate classification.

Dr. Peter K. Rogan Lab, Western University
No classification provided (evidence only). Condition: Ovarian serous cystadenocarcinoma. Review status: no classification provided. Collection method: in vitro. Allele origin: not applicable. Functional consequence: retained intron. Not counted in ClinVar's aggregate classification.

Dr. Peter K. Rogan Lab, Western University
No classification provided (evidence only). Condition: Ovarian serous cystadenocarcinoma. Review status: no classification provided. Collection method: in vitro. Allele origin: not applicable. Functional consequence: retained intron. Not counted in ClinVar's aggregate classification.

Dr. Peter K. Rogan Lab, Western University
No classification provided (evidence only). Condition: Ovarian serous cystadenocarcinoma. Review status: no classification provided. Collection method: in vitro. Allele origin: not applicable. Functional consequence: retained intron. Not counted in ClinVar's aggregate classification.

Dr. Peter K. Rogan Lab, Western University
No classification provided (evidence only). Condition: Ovarian serous cystadenocarcinoma. Review status: no classification provided. Collection method: in vitro. Allele origin: not applicable. Functional consequence: retained intron. Not counted in ClinVar's aggregate classification.

NM_001005273.3(CHD3):c.8C>T (p.Ala3Val)

Gene: CHD3 (chromodomain helicase DNA binding protein 3; plus strand). Cytogenetic location: 17p13.1.
Variant type: single nucleotide variant.
Coding change: c.8C>T on transcript NM_001005273.3 (MANE Select); coding-DNA position 8, C replaced by T.
Protein change: p.Ala3Val; replaces alanine 3 with valine.
Molecular consequence: missense variant. On other transcripts: intron variant (1).
Genome position (GRCh38, 1-based): chr17:7,889,008, C>T. VCF-style: chr17-7889008-C-T. GRCh37 (hg19) VCF-style: chr17-7792326-C-T.
Other names: NC_000017.10:g.7792326C>T; c.8C>T, p.Ala3Val (NM_005852.4); c.278-656C>T (NM_001005271.3); short protein forms A3V.
Identifiers: ClinVar variation 3055294 (VCV003055294.3), dbSNP rs931543, ClinGen allele CA8362248.
Genomic context (GRCh38, chr17:7,889,008, plus strand): 5'-GGCTACTTGGGAGGAGGAATATTTAGGTAATTGTGGAGACTTTCTCCTGTGTGATGAAGG[C>T]GGCAGACACTGTGATCCTGTGGGCAAGAAGTAAAAATGACCAGCTGAGGATTTCTTTTCC-3'
Protein context (NP_001005273.1, residues 1-13): MK[Ala3Val]ADTVILWARS